The following is an entry in ClinVar:

NM_006642.5(SDCCAG8):c.1408_1412del (p.Glu470fs)

Gene: SDCCAG8 (SHH signaling and ciliogenesis regulator SDCCAG8; plus strand). Cytogenetic location: 1q43.
Variant type: Deletion.
Coding change: c.1408_1412del on transcript NM_006642.5 (MANE Select); coding-DNA positions 1408 to 1412, 5 bases deleted (GAGGC; older notation c.1408_1412delGAGGC).
Protein change: p.Glu470fs; shifts the reading frame from glutamic acid 470.
Molecular consequence: frameshift variant.
Genome position (GRCh38, 1-based): chr1:243,344,266-243,344,270, GAGGC deleted. VCF-style (leftmost placement, unchanged base first): chr1-243344265-TGAGGC-T. GRCh37 (hg19) VCF-style: chr1-243507567-TGAGGC-T.
Other names: c.505_509del, p.Glu169fs (NM_001350246.2, NM_001350247.2, NM_001350251.2); c.1504_1508del, p.Glu502fs (NM_001350248.2); c.1114_1118del, p.Glu372fs (NM_001350249.2); short protein forms E169fs, E470fs, E502fs, E372fs.
Identifiers: ClinVar variation 4995724 (VCV004995724.1).

ClinVar aggregate classification (germline): Likely pathogenic (1 of 4 stars; one submission).

Conditions:
SDCCAG8-related disorder. Also called: SDCCAG8-related condition; SDCCAG8-Related Disorders.

Submission:

PreventionGenetics, part of Exact Sciences
Classification: Likely pathogenic for SDCCAG8-related condition. Last evaluated: 2026-03-11. Review status: criteria provided, single submitter. Criteria: ACMG Guidelines, 2015. Collection method: clinical testing. Allele origin: germline.
Comment: The SDCCAG8 c.1408_1412del5 variant is predicted to result in a frameshift and premature protein termination (p.Glu470Argfs*12). To our knowledge, this variant has not been reported in the literature or in a large population database (gnomAD), indicating this variant is rare. Frameshift variants in SDCCAG8 are expected to be pathogenic. This variant is interpreted as likely pathogenic.